The following is an entry in ClinVar:

ClinVar aggregate classification (germline): Benign. Review status: criteria provided, multiple submitters, no conflicts (2 of 4 stars). 2 submissions from 2 submitters: Benign (2). Last evaluated 2018-01-13.

Conditions:
Leukocyte adhesion deficiency type II. Also called: CONGENITAL DISORDER OF GLYCOSYLATION, TYPE IIc; CDG IIc; Congenital disorder of glycosylation type 2C; CDG 2C; Leukocyte adhesion deficiency type 2; Rambam Hasharon syndrome. Identifiers: Orphanet 2968, Orphanet 99843, MedGen C0398739, MONDO:0009953, OMIM 266265.

Allele frequency attached by ClinVar (database versions not stated): TOPMed 0.03378; gnomAD 0.03946 and 0.04238; 1000 Genomes Project 30x 0.05512; 1000 Genomes Project 0.05731; gnomAD exomes 0.06117.
gnomAD v4.1: 17,766 of 337,346 alleles (5.3%); highest among the groups gnomAD compares: South Asian, 13%; 701 homozygotes.

Submissions (2):

Illumina Laboratory Services, Illumina
Classification: Benign for Leukocyte adhesion deficiency type II. Last evaluated: 2018-01-13. Review status: criteria provided, single submitter. Criteria: ICSL Variant Classification Criteria 13 December 2019. Collection method: clinical testing. Allele origin: germline.
Comment: This variant was observed in the ICSL laboratory as part of a predisposition screen in an ostensibly healthy population. It had not been previously curated by ICSL or reported in the Human Gene Mutation Database (HGMD: prior to June 1st, 2018), and was therefore a candidate for classification through an automated scoring system. Utilizing variant allele frequency, disease prevalence and penetrance estimates, and inheritance mode, an automated score was calculated to assess if this variant is too frequent to cause the disease. Based on the score and internal cut-off values, a variant classified as benign is not then subjected to further curation. The score for this variant resulted in a classification of benign for this disease.

Breakthrough Genomics
Classification: Benign. Review status: criteria provided, single submitter. Criteria: ACMG Guidelines, 2015. Collection method: not provided. Allele origin: germline. Inheritance: Autosomal recessive inheritance. Affected: yes.

NM_018389.5(SLC35C1):c.*955C>A

Gene: SLC35C1 (solute carrier family 35 member C1; plus strand). Cytogenetic location: 11p11.2.
Variant type: single nucleotide variant.
Coding change: c.*955C>A on transcript NM_018389.5 (MANE Select); 955 bases downstream of the stop codon, C replaced by A.
Molecular consequence: 3 prime UTR variant.
Genome position (GRCh38, 1-based): chr11:45,812,290, C>A. VCF-style: chr11-45812290-C-A. GRCh37 (hg19) VCF-style: chr11-45833841-C-A.
Other names: c.*955C>A (NM_001145265.2, NM_001145266.2).
Identifiers: ClinVar variation 304754 (VCV000304754.6), dbSNP rs76564550, ClinGen allele CA10634943.